The following is an entry in ClinVar:

ClinVar aggregate classification (germline): Pathogenic. Review status: criteria provided, multiple submitters, no conflicts (2 of 4 stars). 3 submissions from 3 submitters: Pathogenic (3). Last evaluated 2025-09-30.

Conditions:
DICER1-related tumor predisposition. Also called: DICER1-related pleuropulmonary blastoma cancer predisposition syndrome; DICER1 syndrome. Identifiers: Orphanet 284343, MedGen C3839822, MONDO:0100216.
Hereditary cancer-predisposing syndrome. Also called: Neoplastic Syndromes, Hereditary; Hereditary Cancer Syndrome; Hereditary neoplastic syndrome; Tumor predisposition. Identifiers: Orphanet 140162, MedGen C0027672, MeSH D009386, MONDO:0015356.
Pleuropulmonary blastoma (PPB). Identifiers: Orphanet 64742, MedGen C1266144, MONDO:0011014, OMIM 601200, HP:0100528.

Submissions (3):

Ambry Genetics
Classification: Pathogenic for Hereditary cancer-predisposing syndrome. Last evaluated: 2025-09-30. Review status: criteria provided, single submitter. Criteria: Ambry Variant Classification Scheme 2023. Collection method: clinical testing. Allele origin: germline.
Comment: The c.2040+1G>A intronic pathogenic mutation results from a G to A substitution one nucleotide after coding exon 11 of the DICER1 gene. Two other DICER1 pathogenic variants at the same position, c.2040+1G>C and c.2040+1G>T, have been reported in families with pleuropulmonary blastoma (Slade I et al. J. Med. Genet. 2011 Apr; 48(4):273-8; Stewart DR et al. Hum. Genet. 2014 Nov; 133(11):1443-50). This nucleotide position is highly conserved in available vertebrate species. In silico splice site analysis predicts that this alteration will weaken the native splice donor site. RNA studies have demonstrated that this alteration results in abnormal splicing in the set of samples tested (Ambry internal data). Alterations that disrupt the canonical splice site are expected to cause aberrant splicing, resulting in an abnormal protein or a transcript that is subject to nonsense-mediated mRNA decay. As such, this alteration is classified as a disease-causing mutation.

New York Genome Center
Classification: Pathogenic for Pleuropulmonary blastoma. Last evaluated: 2024-10-07. Review status: criteria provided, single submitter. Criteria: NYGC Assertion Criteria 2020. Collection method: clinical testing. Allele origin: inherited. Observed: 1 variant allele, 1 heterozygote.
Comment: The inherited heterozygous c.2040+1G>A variant in DICER1 has not previously been reported in the literature and is absent from the gnomAD v4.0.0 database, suggesting it is not a common benign variant in the populations represented in that database. The c.2040+1G>A variant has been deposited in ClinVar [ClinVar ID: 429162] as a Pathogenic (2 submissions). The c.2040+1G>A variant in DICER1 is located in the canonical splice donor site in intron 12 of this 27-exon gene and, is predicted to affect mRNA splicing (SpliceAI delta score for Donor Loss = 0.96, SpliceAI delta score for Donor Gain = 0.28); however, there are no functional studies to support or refute these predictions. Two different DICER1 pathogenic variants at the same position (c.2040+1G>C and c.2040+1G>T) have been reported as Pathogenic (2 submissions) in ClinVar [ID: 932971, 254302] and in individuals with pleuropulmonary blastoma [PMID: 21266384, 25118636, 26925222]. Based on available evidence the inherited heterozygous c.2040+1G>A variant identified in the DICER1 gene is classified as Pathogenic.

Labcorp Genetics (formerly Invitae), Labcorp
Classification: Pathogenic for DICER1-related tumor predisposition. Last evaluated: 2022-12-09. Review status: criteria provided, single submitter. Criteria: Invitae Variant Classification Sherloc (09022015). Collection method: clinical testing. Allele origin: germline.
Comment: Disruption of this splice site has been observed in individuals with clinical features of DICER1-related pleuropulmonary blastoma familial tumor predisposition syndrome (PMID: 21266384, 25118636; Invitae). This variant is not present in population databases (gnomAD no frequency). This sequence change affects a donor splice site in intron 12 of the DICER1 gene. It is expected to disrupt RNA splicing. Variants that disrupt the donor or acceptor splice site typically lead to a loss of protein function (PMID: 16199547), and loss-of-function variants in DICER1 are known to be pathogenic (PMID: 19556464, 21266384). For these reasons, this variant has been classified as Pathogenic. Algorithms developed to predict the effect of sequence changes on RNA splicing suggest that this variant may disrupt the consensus splice site. ClinVar contains an entry for this variant (Variation ID: 429162).

Literature cited by the submitters: PubMed 21266384 (cited by Ambry Genetics and Labcorp Genetics (formerly Invitae), Labcorp); PubMed 25118636 (cited by Ambry Genetics and Labcorp Genetics (formerly Invitae), Labcorp); PubMed 16199547 (cited by Labcorp Genetics (formerly Invitae), Labcorp); PubMed 19556464 (cited by Labcorp Genetics (formerly Invitae), Labcorp).

NM_177438.3(DICER1):c.2040+1G>A

Gene: DICER1 (dicer 1, ribonuclease III; minus strand). Cytogenetic location: 14q32.13.
Variant type: single nucleotide variant.
Coding change: c.2040+1G>A on transcript NM_177438.3 (MANE Select); the canonical splice donor site of the intron after coding-DNA position 2040, G replaced by A.
Molecular consequence: splice donor variant.
Genome position (GRCh38, 1-based): chr14:95,113,091, C>T on the plus strand (G>A on the coding strand, the complement: DICER1 is on the minus strand). VCF-style: chr14-95113091-C-T. GRCh37 (hg19) VCF-style: chr14-95579428-C-T.
Other names: c.2040+1G>A (NM_001291628.2, NM_030621.4, NM_001395677.1 and 12 more transcripts); c.1635+1G>A (NM_001395690.1, NM_001395687.1, NM_001395689.1 and 3 more transcripts); c.1758+1G>A (NM_001395686.1); c.1473+1G>A (NM_001395691.1); c.357+1G>A (NM_001395697.1).
Identifiers: ClinVar variation 429162 (VCV000429162.12), dbSNP rs886037683, ClinGen allele CA390883156.